The following is an entry in ClinVar:

ClinVar aggregate classification (germline): Uncertain significance (1 of 4 stars; one submission).

Submission:

CeGaT Center for Human Genetics Tuebingen
Classification: Uncertain significance. Last evaluated: 2026-06-01. Review status: criteria provided, single submitter. Criteria: CeGaT Center For Human Genetics Tuebingen Variant Classification Criteria Version 2. Collection method: clinical testing. Allele origin: germline. Affected: yes. Observed: 1 variant allele.
Comment: PEX1: PM2, PM3:Supporting, PP3

NM_000466.3(PEX1):c.2962T>G (p.Leu988Val)

Genes: GATAD1 (GATA zinc finger domain containing 1; plus strand), PEX1 (peroxisomal biogenesis factor 1; minus strand). Cytogenetic location: 7q21.2.
Variant type: single nucleotide variant.
Coding change: c.2962T>G on transcript NM_000466.3 (MANE Select); coding-DNA position 2962, T replaced by G.
Protein change: p.Leu988Val; replaces leucine 988 with valine.
Molecular consequence: missense variant.
Genome position (GRCh38, 1-based): chr7:92,494,361, A>C on the plus strand (T>G on the coding strand, the complement: PEX1 is on the minus strand). VCF-style: chr7-92494361-A-C. GRCh37 (hg19) VCF-style: chr7-92123675-A-C.
Other names: c.2791T>G, p.Leu931Val (NM_001282677.2); c.2338T>G, p.Leu780Val (NM_001282678.2); short protein forms L780V, L931V, L988V.
Identifiers: ClinVar variation 4875409 (VCV004875409.2).